The following is an entry in ClinVar:

ClinVar aggregate classification (germline): Benign/Likely benign. Review status: criteria provided, multiple submitters, no conflicts (2 of 4 stars). 5 submissions from 5 submitters: Benign (2); Likely benign (3). Last evaluated 2025-11-21.

Conditions:
Polycystic liver disease 1 (PCLD1). Also called: Polycystic liver disease 1 with or without kidney cysts. Identifiers: Orphanet 2924, MedGen C0887850, MONDO:0008265, OMIM 174050.

Allele frequency attached by ClinVar (database versions not stated): gnomAD exomes 0.00079; ExAC 0.00221; gnomAD 0.00338 and 0.00354; TOPMed 0.00416; ESP Exome Variant Server 0.00477; 1000 Genomes Project 0.00679; 1000 Genomes Project 30x 0.00718.
gnomAD v4.1: 918 of 1,587,356 alleles (0.058%); highest among the groups gnomAD compares: African/African-American, 1.1%; 8 homozygotes.

Submissions (5):

Labcorp Genetics (formerly Invitae), Labcorp
Classification: Benign. Last evaluated: 2025-11-21. Review status: criteria provided, single submitter. Criteria: Invitae Variant Classification Sherloc (09022015). Collection method: clinical testing. Allele origin: germline.

Blueprint Genetics
Classification: Likely benign. Last evaluated: 2024-07-30. Review status: criteria provided, single submitter. Criteria: ACMG Guidelines, 2015. Collection method: clinical testing. Allele origin: germline.

GeneDx
Classification: Likely benign. Last evaluated: 2021-10-04. Review status: criteria provided, single submitter. Criteria: GeneDx Variant Classification Process June 2021. Collection method: clinical testing. Allele origin: germline. Affected: yes.

Fulgent Genetics
Classification: Likely benign for Polycystic liver disease 1. Last evaluated: 2021-07-30. Review status: criteria provided, single submitter. Criteria: ACMG Guidelines, 2015. Collection method: clinical testing. Allele origin: unknown.

Illumina Laboratory Services, Illumina
Classification: Benign for Polycystic liver disease 1. Last evaluated: 2018-01-13. Review status: criteria provided, single submitter. Criteria: ICSL Variant Classification Criteria 13 December 2019. Collection method: clinical testing. Allele origin: germline.
Comment: This variant was observed in the ICSL laboratory as part of a predisposition screen in an ostensibly healthy population. It had not been previously curated by ICSL or reported in the Human Gene Mutation Database (HGMD: prior to June 1st, 2018), and was therefore a candidate for classification through an automated scoring system. Utilizing variant allele frequency, disease prevalence and penetrance estimates, and inheritance mode, an automated score was calculated to assess if this variant is too frequent to cause the disease. Based on the score and internal cut-off values, a variant classified as benign is not then subjected to further curation. The score for this variant resulted in a classification of benign for this disease.

NM_001289104.2(PRKCSH):c.469-10G>A

Gene: PRKCSH (PRKCSH beta subunit of glucosidase II; plus strand). Cytogenetic location: 19p13.2.
Variant type: single nucleotide variant.
Coding change: c.469-10G>A on transcript NM_001289104.2 (MANE Select); 10 bases into the intron before coding-DNA position 469, G replaced by A.
Molecular consequence: intron variant.
Genome position (GRCh38, 1-based): chr19:11,442,376, G>A. VCF-style: chr19-11442376-G-A. GRCh37 (hg19) VCF-style: chr19-11553191-G-A.
Other names: c.469-10G>A (NM_001289103.2, NM_001379609.1, NM_001379608.1 and 3 more transcripts).
Identifiers: ClinVar variation 328175 (VCV000328175.17), dbSNP rs188022793, ClinGen allele CA9212863.
Genomic context (GRCh38, chr19:11,442,376, plus strand): 5'-AGGGAGGTAGTAGTCAATGAGGAGGAGGCAGAACAGAGGAGAGCTGGTCTCTTGCCTTCT[G>A]CCCACCCAGAAAAAGCTCATTGAGCTACAGGCTGGGAAGAAGTCTCTGGAAGACCAGGTG-3'